The following is an entry in ClinVar:

NM_006946.4(SPTBN2):c.6502-9C>T

Gene: SPTBN2 (spectrin beta, non-erythrocytic 2; minus strand). Cytogenetic location: 11q13.2.
Variant type: single nucleotide variant.
Coding change: c.6502-9C>T on transcript NM_006946.4 (MANE Select); 9 bases into the intron before coding-DNA position 6502, C replaced by T.
Molecular consequence: intron variant.
Genome position (GRCh38, 1-based): chr11:66,687,656, G>A on the plus strand (C>T on the coding strand, the complement: SPTBN2 is on the minus strand). VCF-style: chr11-66687656-G-A. GRCh37 (hg19) VCF-style: chr11-66455127-G-A.
Identifiers: ClinVar variation 878989 (VCV000878989.5), dbSNP rs545190212, ClinGen allele CA6127887.

ClinVar aggregate classification (germline): Conflicting classifications of pathogenicity. Review status: criteria provided, conflicting classifications (1 of 4 stars). 3 submissions from 2 submitters: Uncertain significance (1); Benign (1); Likely benign (1). Last evaluated 2024-06-17.

Conditions:
Spinocerebellar ataxia type 5 (SCA5). Identifiers: Orphanet 98766, MedGen C0752123, MONDO:0010848, OMIM 600224.
Autosomal recessive spinocerebellar ataxia 14. Also called: CEREBELLAR ATAXIA, AUTOSOMAL RECESSIVE, SPECTRIN-ASSOCIATED, 1. Identifiers: Orphanet 352403, MedGen C4706415, MONDO:0014159, OMIM 615386.

Allele frequency attached by ClinVar (database versions not stated): gnomAD 0.00001 and 0.00002; TOPMed 0.00002; gnomAD exomes 0.00003; ExAC 0.00006; 1000 Genomes Project 30x 0.00016; 1000 Genomes Project 0.00020.
gnomAD v4.1: 15 of 1,586,776 alleles (0.00095%); highest among the groups gnomAD compares: Admixed American, 0.012%; no homozygotes.

Submissions (3):

Athena Diagnostics
Classification: Likely benign. Last evaluated: 2024-06-17. Review status: criteria provided, single submitter. Criteria: Athena Diagnostics Criteria. Collection method: clinical testing. Allele origin: unknown.

Illumina Laboratory Services, Illumina
Classification: Uncertain significance for Autosomal recessive spinocerebellar ataxia 14. Last evaluated: 2018-03-23. Review status: criteria provided, single submitter. Criteria: ICSL Variant Classification Criteria 13 December 2019. Collection method: clinical testing. Allele origin: germline.

Illumina Laboratory Services, Illumina
Classification: Benign for Spinocerebellar ataxia type 5. Last evaluated: 2018-03-20. Review status: criteria provided, single submitter. Criteria: ICSL Variant Classification Criteria 13 December 2019. Collection method: clinical testing. Allele origin: germline.
Comment: This variant was observed in the ICSL laboratory as part of a predisposition screen in an ostensibly healthy population. It had not been previously curated by ICSL or reported in the Human Gene Mutation Database (HGMD: prior to June 1st, 2018), and was therefore a candidate for classification through an automated scoring system. Utilizing variant allele frequency, disease prevalence and penetrance estimates, and inheritance mode, an automated score was calculated to assess if this variant is too frequent to cause the disease. Based on the score and internal cut-off values, a variant classified as benign is not then subjected to further curation. The score for this variant resulted in a classification of benign for this disease.